The following is an entry in ClinVar:

NM_000051.4(ATM):c.1897T>C (p.Cys633Arg)

Gene: ATM (ATM serine/threonine kinase; plus strand). Cytogenetic location: 11q22.3.
Variant type: single nucleotide variant.
Coding change: c.1897T>C on transcript NM_000051.4 (MANE Select); coding-DNA position 1897, T replaced by C.
Protein change: p.Cys633Arg; replaces cysteine 633 with arginine.
Molecular consequence: missense variant.
Genome position (GRCh38, 1-based): chr11:108,252,911, T>C. VCF-style: chr11-108252911-T-C. GRCh37 (hg19) VCF-style: chr11-108123638-T-C.
Other names: c.1897T>C, p.Cys633Arg (NM_001351834.2); short protein forms C633R.
Identifiers: ClinVar variation 489519 (VCV000489519.10), dbSNP rs1555072606, ClinGen allele CA382536111.

ClinVar aggregate classification (germline): Uncertain significance. Review status: criteria provided, multiple submitters, no conflicts (2 of 4 stars). 3 submissions from 3 submitters: Uncertain significance (3). Last evaluated 2025-04-03.

Conditions:
Hereditary cancer-predisposing syndrome. Also called: Tumor predisposition; Neoplastic Syndromes, Hereditary; Hereditary Cancer Syndrome; Hereditary neoplastic syndrome. Identifiers: Orphanet 140162, MedGen C0027672, MeSH D009386, MONDO:0015356.
Ataxia-telangiectasia syndrome (AT). Also called: Ataxia-telangiectasia; Ataxia-telangiectasia, complementation group D; AT, COMPLEMENTATION GROUP C; LOUIS-BAR SYNDROME; Cerebello-oculocutaneous telangiectasia; Immunodeficiency with ataxia telangiectasia. Identifiers: Orphanet 100, MedGen C0004135, MONDO:0008840, OMIM 208900.

Submissions (3):

Ambry Genetics
Classification: Uncertain significance for Hereditary cancer-predisposing syndrome. Last evaluated: 2025-04-03. Review status: criteria provided, single submitter. Criteria: Ambry Variant Classification Scheme 2023. Collection method: clinical testing. Allele origin: germline.
Comment: The p.C633R variant (also known as c.1897T>C), located in coding exon 11 of the ATM gene, results from a T to C substitution at nucleotide position 1897. The cysteine at codon 633 is replaced by arginine, an amino acid with highly dissimilar properties. This amino acid position is highly conserved in available vertebrate species. In addition, the in silico prediction for this alteration is inconclusive. Based on the available evidence, the clinical significance of this variant remains unclear.

Labcorp Genetics (formerly Invitae), Labcorp
Classification: Uncertain significance for Ataxia-telangiectasia syndrome. Last evaluated: 2025-01-11. Review status: criteria provided, single submitter. Criteria: Invitae Variant Classification Sherloc (09022015). Collection method: clinical testing. Allele origin: germline.
Comment: This sequence change replaces cysteine, which is neutral and slightly polar, with arginine, which is basic and polar, at codon 633 of the ATM protein (p.Cys633Arg). This variant is not present in population databases (gnomAD no frequency). This variant has not been reported in the literature in individuals affected with ATM-related conditions. ClinVar contains an entry for this variant (Variation ID: 489519). An algorithm developed to predict the effect of missense changes on protein structure and function (PolyPhen-2) suggests that this variant is likely to be tolerated. In summary, the available evidence is currently insufficient to determine the role of this variant in disease. Therefore, it has been classified as a Variant of Uncertain Significance.

Color Diagnostics, LLC DBA Color Health
Classification: Uncertain significance for Hereditary cancer-predisposing syndrome. Last evaluated: 2018-09-04. Review status: criteria provided, single submitter. Criteria: ACMG Guidelines, 2015. Collection method: clinical testing. Allele origin: germline.